The following is an entry in ClinVar:

ClinVar aggregate classification (germline): Pathogenic (1 of 4 stars; one submission).

Conditions:
Autosomal dominant polycystic kidney disease. Identifiers: Orphanet 730, MedGen C0085413, MONDO:0004691.

Submission:

Clinical Genetics Laboratory, Skane University Hospital Lund
Classification: Pathogenic for Autosomal dominant polycystic kidney disease. Last evaluated: 2025-06-19. Review status: criteria provided, single submitter. Criteria: ACMG Guidelines, 2015. Collection method: clinical testing. Allele origin: germline. Affected: yes.
Comment: ACMG criteria applied: PVS1, PM2, PP4_strong

NM_000297.4(PKD2):c.818dup (p.Ser274fs)

Gene: PKD2 (polycystin 2, transient receptor potential cation channel; plus strand). Cytogenetic location: 4q22.1.
Variant type: Duplication.
Coding change: c.818dup on transcript NM_000297.4 (MANE Select); coding-DNA position 818, one base duplicated (T; older notation c.818dupT).
Protein change: p.Ser274fs; shifts the reading frame from serine 274.
Molecular consequence: frameshift variant. On other transcripts: non-coding transcript variant (1).
Genome position (GRCh38, 1-based): chr4:88,036,328, T duplicated. VCF-style (leftmost placement, unchanged base first): chr4-88036327-C-CT. GRCh37 (hg19) VCF-style: chr4-88957479-C-CT.
Other names: short protein forms S274fs.
Identifiers: ClinVar variation 3906150 (VCV003906150.1).
Genomic context (GRCh38, chr4:88,036,327, plus strand): 5'-ATGTCACAGCTCTTCCTAGACACCCCCGTGTCCAAAACGGAGAAAACTAACTTTAAAACT[C>CT]TGTCTTCCATGGAAGACTTCTGGAAGGTATTTGCAAATAACTTTGAAAGTACCTCTCTAT-3'